The following is an entry in ClinVar:

ClinVar aggregate classification (germline): Uncertain significance (1 of 4 stars; one submission).

Conditions:
Cardiovascular phenotype. Identifiers: MedGen CN230736.

Submission:

Ambry Genetics
Classification: Uncertain significance for Cardiovascular phenotype. Last evaluated: 2025-05-03. Review status: criteria provided, single submitter. Criteria: Ambry Variant Classification Scheme 2023. Collection method: clinical testing. Allele origin: germline.
Comment: The p.K496N variant (also known as c.1488G>T), located in coding exon 15 of the EYA4 gene, results from a G to T substitution at nucleotide position 1488. The lysine at codon 496 is replaced by asparagine, an amino acid with similar properties. This amino acid position is conserved. In addition, the in silico prediction for this alteration is inconclusive. Based on the available evidence, the clinical significance of this variant remains unclear.

NM_004100.5(EYA4):c.1488G>T (p.Lys496Asn)

Genes: EYA4 (EYA transcriptional coactivator and phosphatase 4; plus strand), TARID (TCF21 antisense RNA inducing promoter demethylation; minus strand). Cytogenetic location: 6q23.2.
Variant type: single nucleotide variant.
Coding change: c.1488G>T on transcript NM_004100.5 (MANE Select); coding-DNA position 1488, G replaced by T.
Protein change: p.Lys496Asn; replaces lysine 496 with asparagine.
Molecular consequence: missense variant.
Genome position (GRCh38, 1-based): chr6:133,513,025, G>T. VCF-style: chr6-133513025-G-T. GRCh37 (hg19) VCF-style: chr6-133834163-G-T.
Other names: c.1326G>T, p.Lys442Asn (NM_001301012.2); c.1506G>T, p.Lys502Asn (NM_001301013.2); c.1419G>T, p.Lys473Asn (NM_001370458.1, NM_172103.4); c.1344G>T, p.Lys448Asn (NM_001370459.1); c.1488G>T, p.Lys496Asn (NM_172105.4); short protein forms K442N, K496N, K502N, K448N, K473N.
Identifiers: ClinVar variation 4020616 (VCV004020616.1).